The following is an entry in ClinVar:

NM_003872.3(NRP2):c.1059G>C (p.Gln353His)

Gene: NRP2 (neuropilin 2; plus strand). Cytogenetic location: 2q33.3.
Variant type: single nucleotide variant.
Coding change: c.1059G>C on transcript NM_003872.3 (MANE Select); coding-DNA position 1059, G replaced by C.
Protein change: p.Gln353His; replaces glutamine 353 with histidine.
Molecular consequence: missense variant.
Genome position (GRCh38, 1-based): chr2:205,727,959, G>C. VCF-style: chr2-205727959-G-C. GRCh37 (hg19) VCF-style: chr2-206592683-G-C.
Other names: c.1059G>C, p.Gln353His (NM_018534.4, NM_201264.2, NM_201266.2 and 2 more transcripts); short protein forms Q353H.
Identifiers: ClinVar variation 2634322 (VCV002634322.6), dbSNP rs376340891, ClinGen allele CA2069002.

ClinVar aggregate classification (germline): Uncertain significance. Review status: criteria provided, multiple submitters, no conflicts (2 of 4 stars). 2 submissions from 2 submitters: Uncertain significance (2). Last evaluated 2025-12-28.

Conditions:
NRP2-related disorder. Also called: NRP2-related condition.

Allele frequency attached by ClinVar (database versions not stated): ExAC 0.00005; gnomAD exomes 0.00006; gnomAD 0.00010; TOPMed 0.00010; ESP Exome Variant Server 0.00015.
gnomAD v4.1: 107 of 1,614,066 alleles (0.0066%); highest among the groups gnomAD compares: Non-Finnish European, 0.0089%; no homozygotes.

Submissions (2):

PreventionGenetics, part of Exact Sciences
Classification: Uncertain significance for NRP2-related condition. Last evaluated: 2025-12-28. Review status: criteria provided, single submitter. Criteria: ACMG Guidelines, 2015. Collection method: clinical testing. Allele origin: germline.
Comment: The NRP2 c.1059G>C variant is predicted to result in the amino acid substitution p.Gln353His. To our knowledge, this variant has not been reported in the literature. This variant is reported in 0.019% of alleles in individuals of European (Non-Finnish) descent in gnomAD. At this time, the clinical significance of this variant is uncertain due to the absence of conclusive functional and genetic evidence.

Ambry Genetics
Classification: Uncertain significance. Last evaluated: 2025-01-31. Review status: criteria provided, single submitter. Criteria: Ambry Variant Classification Scheme 2023. Collection method: clinical testing. Allele origin: germline.